The following is an entry in ClinVar:

NM_178172.6(GPIHBP1):c.12C>T (p.Leu4=)

Gene: GPIHBP1 (glycosylphosphatidylinositol anchored high density lipoprotein binding protein 1; plus strand). Cytogenetic location: 8q24.3.
Variant type: single nucleotide variant.
Coding change: c.12C>T on transcript NM_178172.6 (MANE Select); coding-DNA position 12, C replaced by T.
Protein change: p.Leu4=; no amino-acid change (leucine 4 retained).
Molecular consequence: synonymous variant.
Genome position (GRCh38, 1-based): chr8:143,213,279, C>T. VCF-style: chr8-143213279-C-T. GRCh37 (hg19) VCF-style: chr8-144295154-C-T.
Other names: p.Leu4=; c.12C>T, p.Leu4= (NM_001301772.2).
Identifiers: ClinVar variation 1287705 (VCV001287705.15), dbSNP rs61747644, ClinGen allele CA4906983.

ClinVar aggregate classification (germline): Benign. Review status: criteria provided, multiple submitters, no conflicts (2 of 4 stars). 7 submissions from 7 submitters: Benign (7). Last evaluated 2026-02-04.

Conditions:
Cardiovascular phenotype. Identifiers: MedGen CN230736.

Allele frequency attached by ClinVar (database versions not stated): 1000 Genomes Project 30x 0.13851; ESP Exome Variant Server 0.14090; 1000 Genomes Project 0.14117; TOPMed 0.14170; gnomAD 0.14876 and 0.15007; ExAC 0.22201.
gnomAD v4.1: 286,169 of 1,594,926 alleles (18%); highest among the groups gnomAD compares: Admixed American, 21%; 27,137 homozygotes.

Submissions (7):

Labcorp Genetics (formerly Invitae), Labcorp
Classification: Benign. Last evaluated: 2026-02-04. Review status: criteria provided, single submitter. Criteria: Invitae Variant Classification Sherloc (09022015). Collection method: clinical testing. Allele origin: germline.

Molecular Diagnostic Laboratory for Inherited Cardiovascular Disease, Montreal Heart Institute
Classification: Benign. Last evaluated: 2025-04-09. Review status: criteria provided, single submitter. Criteria: ACMG Guidelines, 2015. Collection method: clinical testing. Allele origin: germline. Affected: no.

Blueprint Genetics
Classification: Benign. Last evaluated: 2024-11-27. Review status: criteria provided, single submitter. Criteria: ACMG Guidelines, 2015. Collection method: clinical testing. Allele origin: germline.

Mayo Clinic Laboratories, Mayo Clinic
Classification: Benign. Last evaluated: 2024-04-05. Review status: criteria provided, single submitter. Criteria: ACMG Guidelines, 2015. Collection method: clinical testing. Allele origin: germline. Observed: 47 variant alleles.
Comment: BA1

Ambry Genetics
Classification: Benign for Cardiovascular phenotype. Last evaluated: 2019-01-26. Review status: criteria provided, single submitter. Criteria: Ambry Variant Classification Scheme 2023. Collection method: clinical testing. Allele origin: germline.

GeneDx
Classification: Benign. Last evaluated: 2018-08-30. Review status: criteria provided, single submitter. Criteria: GeneDx Variant Classification Process June 2021. Collection method: clinical testing. Allele origin: germline. Affected: yes.

Breakthrough Genomics
Classification: Benign. Review status: criteria provided, single submitter. Criteria: ACMG Guidelines, 2015. Collection method: not provided. Allele origin: germline. Inheritance: Autosomal recessive inheritance. Affected: yes.